The following is an entry in ClinVar:

NM_000352.6(ABCC8):c.863G>A (p.Trp288Ter)

Gene: ABCC8 (ATP binding cassette subfamily C member 8; minus strand). Cytogenetic location: 11p15.1.
Variant type: single nucleotide variant.
Coding change: c.863G>A on transcript NM_000352.6 (MANE Select); coding-DNA position 863, G replaced by A.
Protein change: p.Trp288Ter; replaces tryptophan 288 with a stop codon.
Molecular consequence: nonsense. On other transcripts: non-coding transcript variant (1).
Genome position (GRCh38, 1-based): chr11:17,460,636, C>T on the plus strand (G>A on the coding strand, the complement: ABCC8 is on the minus strand). VCF-style: chr11-17460636-C-T. GRCh37 (hg19) VCF-style: chr11-17482183-C-T.
Other names: c.863G>A, p.Trp288Ter (NM_001287174.3, NM_001351295.2); c.860G>A, p.Trp287Ter (NM_001351296.2, NM_001351297.2); short protein forms W287*, W288*.
Identifiers: ClinVar variation 1438638 (VCV001438638.6), dbSNP rs2133675152, ClinGen allele CA379777517.

ClinVar aggregate classification (germline): Pathogenic (1 of 4 stars; one submission).

Submission:

Labcorp Genetics (formerly Invitae), Labcorp
Classification: Pathogenic. Last evaluated: 2021-11-15. Review status: criteria provided, single submitter. Criteria: Invitae Variant Classification Sherloc (09022015). Collection method: clinical testing. Allele origin: germline.
Comment: For these reasons, this variant has been classified as Pathogenic. This premature translational stop signal has been observed in individual(s) with hyperinsulinism (PMID: 25008049, 25639667). This variant is not present in population databases (gnomAD no frequency). This sequence change creates a premature translational stop signal (p.Trp288*) in the ABCC8 gene. It is expected to result in an absent or disrupted protein product. Loss-of-function variants in ABCC8 are known to be pathogenic (PMID: 20685672, 23345197).

Literature cited by the submitters: PubMed 25008049; PubMed 25639667; PubMed 20685672; PubMed 23345197.